The following is an entry in ClinVar:

ClinVar aggregate classification (germline): Benign. Review status: criteria provided, multiple submitters, no conflicts (2 of 4 stars). 2 submissions from 2 submitters: Benign (2). Last evaluated 2018-06-19.

Allele frequency attached by ClinVar (database versions not stated): 1000 Genomes Project 0.09085; 1000 Genomes Project 30x 0.09322; gnomAD exomes 0.10594; gnomAD 0.10682 and 0.10952; TOPMed 0.11302.
gnomAD v4.1: 155,195 of 1,461,078 alleles (11%); highest among the groups gnomAD compares: African/African-American, 13%; 9,109 homozygotes.

Submissions (2):

GeneDx
Classification: Benign. Last evaluated: 2018-06-19. Review status: criteria provided, single submitter. Criteria: GeneDx Variant Classification (06012015). Collection method: clinical testing. Allele origin: germline. Affected: yes.
Comment: This variant is considered likely benign or benign based on one or more of the following criteria: it is a conservative change, it occurs at a poorly conserved position in the protein, it is predicted to be benign by multiple in silico algorithms, and/or has population frequency not consistent with disease.

Breakthrough Genomics
Classification: Benign. Review status: criteria provided, single submitter. Criteria: ACMG Guidelines, 2015. Collection method: not provided. Allele origin: germline. Inheritance: Autosomal dominant inheritance. Affected: yes.

NM_001083962.2(TCF4):c.1879+78T>C

Gene: TCF4 (transcription factor 4; minus strand). Cytogenetic location: 18q21.2.
Variant type: single nucleotide variant.
Coding change: c.1879+78T>C on transcript NM_001083962.2 (MANE Select); 78 bases into the intron after coding-DNA position 1879, T replaced by C.
Molecular consequence: intron variant.
Genome position (GRCh38, 1-based): chr18:55,228,769, A>G on the plus strand (T>C on the coding strand, the complement: TCF4 is on the minus strand). VCF-style: chr18-55228769-A-G. GRCh37 (hg19) VCF-style: chr18-52896000-A-G.
Other names: c.2185+78T>C (NM_001243226.3); c.1792+78T>C (NM_001369584.1, NM_001369585.1, NM_001348220.1); c.1804+78T>C (NM_001369576.1, NM_001369577.1, NM_001369578.1 and 3 more transcripts); c.1795+78T>C (NM_001369582.1, NM_001369583.1, NM_001348219.2 and 1 more transcripts); c.1807+78T>C (NM_001243227.2, NM_001369575.1, NM_001348218.2 and 1 more transcripts); c.1810+78T>C (NM_001369586.1); c.1867+78T>C (NM_001369571.1, NM_001369572.1, NM_003199.3); c.1879+78T>C (NM_001369567.1, NM_001369568.1); and 14 more.
Identifiers: ClinVar variation 670816 (VCV000670816.2), dbSNP rs8087569, ClinGen allele CA14562065.